The following is an entry in ClinVar:

ClinVar aggregate classification (germline): Uncertain significance (1 of 4 stars; one submission).

gnomAD v4.1: 1 of 1,614,036 alleles (0.000062%); highest among the groups gnomAD compares: Non-Finnish European, 0.000085%; no homozygotes.

Submission:

GeneDx
Classification: Uncertain significance. Last evaluated: 2024-02-27. Review status: criteria provided, single submitter. Criteria: GeneDx Variant Classification Process June 2021. Collection method: clinical testing. Allele origin: germline. Affected: yes.
Comment: Not observed at significant frequency in large population cohorts (gnomAD); In silico analysis supports that this missense variant has a deleterious effect on protein structure/function; Has not been previously published as pathogenic or benign to our knowledge

NM_176824.3(BBS7):c.1565C>T (p.Ser522Phe)

Gene: BBS7 (Bardet-Biedl syndrome 7; minus strand). Cytogenetic location: 4q27.
Variant type: single nucleotide variant.
Coding change: c.1565C>T on transcript NM_176824.3 (MANE Select); coding-DNA position 1565, C replaced by T.
Protein change: p.Ser522Phe; replaces serine 522 with phenylalanine.
Molecular consequence: missense variant.
Genome position (GRCh38, 1-based): chr4:121,833,342, G>A on the plus strand (C>T on the coding strand, the complement: BBS7 is on the minus strand). VCF-style: chr4-121833342-G-A. GRCh37 (hg19) VCF-style: chr4-122754497-G-A.
Other names: c.1565C>T, p.Ser522Phe (NM_018190.4); short protein forms S522F.
Identifiers: ClinVar variation 3340597 (VCV003340597.1).
Genomic context (GRCh38, chr4:121,833,342, plus strand): 5'-GTCACACATTCTCCTGCTGGAGGTTTTTCTGGAACTTCAGGCAGACAAAAAACCACCCAG[G>A]AGTGAACTTCAGCAAAACTGAACTGGCCTGTTAGGGTCAGTGTATTCATGGGTCTGTAAT-3'
Protein context (NP_789794.1, residues 512-532): TGQFSFAEVH[Ser522Phe]WVVFCLPEVP